The following is an entry in ClinVar:

ClinVar aggregate classification (germline): Uncertain significance (1 of 4 stars; one submission).

Conditions:
Inborn genetic diseases. Identifiers: MedGen C0950123, MeSH D030342.

Submission:

Ambry Genetics
Classification: Uncertain significance for Inborn genetic diseases. Last evaluated: 2025-01-03. Review status: criteria provided, single submitter. Criteria: Ambry Variant Classification Scheme 2023. Collection method: clinical testing. Allele origin: germline.
Comment: Unlikely to be causative of TRIO-related neurodevelopmental disorder with macrocephaly (AD) Based on insufficient or conflicting evidence, the clinical significance of this alteration remains unclear.

NM_007118.4(TRIO):c.6275A>G (p.Gln2092Arg)

Gene: TRIO (trio Rho guanine nucleotide exchange factor; plus strand). Cytogenetic location: 5p15.2.
Variant type: single nucleotide variant.
Coding change: c.6275A>G on transcript NM_007118.4 (MANE Select); coding-DNA position 6275, A replaced by G.
Protein change: p.Gln2092Arg; replaces glutamine 2092 with arginine.
Molecular consequence: missense variant. On other transcripts: non-coding transcript variant (1).
Genome position (GRCh38, 1-based): chr5:14,479,950, A>G. VCF-style: chr5-14479950-A-G. GRCh37 (hg19) VCF-style: chr5-14480059-A-G.
Other names: short protein forms Q2092R.
Identifiers: ClinVar variation 3810732 (VCV003810732.1).